The following is an entry in ClinVar:

ClinVar aggregate classification (germline): Benign/Likely benign. Review status: criteria provided, multiple submitters, no conflicts (2 of 4 stars). 9 submissions from 9 submitters: Benign (6); Likely benign (2). 1 of the submissions does not count toward it. Last evaluated 2026-07-01.

Conditions:
Primary ciliary dyskinesia. Also called: Ciliary dyskinesia. Identifiers: Orphanet 244, MedGen C0008780, MONDO:0016575, HP:0012265.
Primary ciliary dyskinesia 3. Identifiers: Orphanet 244, MedGen C1837618, MONDO:0012085, OMIM 608644.

Allele frequency attached by ClinVar (database versions not stated): gnomAD exomes 0.00051 and 0.00130; ExAC 0.00150; 1000 Genomes Project 0.00519; gnomAD 0.00521 and 0.00563; 1000 Genomes Project 30x 0.00531; ESP Exome Variant Server 0.00531; TOPMed 0.00565.
gnomAD v4.1: 1,572 of 1,613,982 alleles (0.097%); highest among the groups gnomAD compares: African/African-American, 1.8%; 14 homozygotes.

Submissions (9):

CeGaT Center for Human Genetics Tuebingen
Classification: Benign. Last evaluated: 2026-07-01. Review status: criteria provided, single submitter. Criteria: CeGaT Center For Human Genetics Tuebingen Variant Classification Criteria Version 2. Collection method: clinical testing. Allele origin: germline. Affected: yes. Observed: 3 variant alleles.
Comment: DNAH5: BP4, BS1, BS2

Labcorp Genetics (formerly Invitae), Labcorp
Classification: Benign for Primary ciliary dyskinesia. Last evaluated: 2026-02-03. Review status: criteria provided, single submitter. Criteria: Invitae Variant Classification Sherloc (09022015). Collection method: clinical testing. Allele origin: germline.

Blueprint Genetics
Classification: Likely benign. Last evaluated: 2024-11-26. Review status: criteria provided, single submitter. Criteria: ACMG Guidelines, 2015. Collection method: clinical testing. Allele origin: germline.

Fulgent Genetics
Classification: Benign for Primary ciliary dyskinesia 3. Last evaluated: 2022-05-04. Review status: criteria provided, single submitter. Criteria: ACMG Guidelines, 2015. Collection method: clinical testing. Allele origin: unknown.

Illumina Laboratory Services, Illumina
Classification: Likely benign for Primary ciliary dyskinesia 3. Last evaluated: 2018-01-13. Review status: criteria provided, single submitter. Criteria: ICSL Variant Classification Criteria 13 December 2019. Collection method: clinical testing. Allele origin: germline.
Comment: This variant was observed in the ICSL laboratory as part of a predisposition screen in an ostensibly healthy population. It had not been previously curated by ICSL or reported in the Human Gene Mutation Database (HGMD: prior to June 1st, 2018), and was therefore a candidate for classification through an automated scoring system. Utilizing variant allele frequency, disease prevalence and penetrance estimates, and inheritance mode, an automated score was calculated to assess if this variant is too frequent to cause the disease. Based on the score and internal cut-off values, a variant classified as likely benign is not then subjected to further curation. The score for this variant resulted in a classification of likely benign for this disease.

Ambry Genetics
Classification: Benign for Primary ciliary dyskinesia. Last evaluated: 2015-03-26. Review status: criteria provided, single submitter. Criteria: Ambry Variant Classification Scheme 2023. Collection method: clinical testing. Allele origin: germline.

Laboratory for Molecular Medicine, Mass General Brigham Personalized Medicine
Classification: Benign. Last evaluated: 2013-02-21. Review status: criteria provided, single submitter. Criteria: LMM Criteria. Collection method: clinical testing. Allele origin: germline. Observed: 1 variant allele.
Comment: Gln620Lys in exon 14 of DNAH5: This variant is not expected to have clinical sig nificance because it has been identified in 1.6% (69/4406) of African American c hromosomes from a broad population by the NHLBI Exome Sequencing Project (dbSNP rs34076967).

PreventionGenetics, part of Exact Sciences
Classification: Benign. Review status: criteria provided, single submitter. Criteria: ACMG Guidelines, 2015. Collection method: clinical testing. Allele origin: germline.

Natera, Inc.
Classification: Benign for Primary ciliary dyskinesia. Last evaluated: 2019-11-11. Review status: no assertion criteria provided. Collection method: clinical testing. Allele origin: germline. Not counted in ClinVar's aggregate classification.

NM_001369.3(DNAH5):c.1858C>A (p.Gln620Lys)

Gene: DNAH5 (dynein axonemal heavy chain 5; minus strand). Cytogenetic location: 5p15.2.
Variant type: single nucleotide variant.
Coding change: c.1858C>A on transcript NM_001369.3 (MANE Select); coding-DNA position 1858, C replaced by A.
Protein change: p.Gln620Lys; replaces glutamine 620 with lysine.
Molecular consequence: missense variant.
Genome position (GRCh38, 1-based): chr5:13,901,446, G>T on the plus strand (C>A on the coding strand, the complement: DNAH5 is on the minus strand). VCF-style: chr5-13901446-G-T. GRCh37 (hg19) VCF-style: chr5-13901555-G-T.
Other names: short protein forms Q620K.
Identifiers: ClinVar variation 226597 (VCV000226597.38), dbSNP rs34076967, ClinGen allele CA3204727.